The following is an entry in ClinVar:

ClinVar aggregate classification (germline): Likely pathogenic. Review status: criteria provided, multiple submitters, no conflicts (2 of 4 stars). 2 submissions from 2 submitters: Likely pathogenic (2). Last evaluated 2019-06-11.

Conditions:
Familial thoracic aortic aneurysm and aortic dissection (TAAD). Also called: Thoracic aortic aneurysms and dissections. Identifiers: Orphanet 91387, MedGen C4707243, MONDO:0019625.
Marfan syndrome (MFS). Also called: Marfan syndrome, classic; Marfan syndrome type 1; Marfan's syndrome; MARFAN SYNDROME, TYPE I; FBN1-Related Marfan Syndrome. Identifiers: Orphanet 284963, Orphanet 558, MedGen C0024796, MONDO:0007947, OMIM 154700.

Submissions (2):

Labcorp Genetics (formerly Invitae), Labcorp
Classification: Likely pathogenic for Marfan syndrome; Familial thoracic aortic aneurysm and aortic dissection. Last evaluated: 2019-06-11. Review status: criteria provided, single submitter. Criteria: Invitae Variant Classification Sherloc (09022015). Collection method: clinical testing. Allele origin: germline.
Comment: This variant is not present in population databases (ExAC no frequency) and has not been reported in the literature in individuals with a FBN1-related disease. This sequence change replaces cysteine with glycine at codon 2509 of the FBN1 protein (p.Cys2509Gly). The cysteine residue is highly conserved and there is a large physicochemical difference between cysteine and glycine. In summary, this variant is a novel missense change affecting a residue crucial for protein stability and function. Although additional genetic data will be necessary to further confirm pathogenicity for this variant, cysteine substitutions located in FBN1 EGF-like domains are likely deleterious. For these reasons, this variant has been classified as Likely Pathogenic. This variant affects a cysteine residue located within an epidermal-growth-factor (EGF)–like domain of the FBN1 protein. Cysteine residues in these domains have been shown to be involved in the formation of disulfide bridges, which are critical for FBN1 protein structure and stability (PMID: 10486319, 3495735, 4750422, 16677079). In addition, missense substitutions within the FBN1 EGF-like domains affecting cysteine residues are significantly overrepresented among patients with Marfan syndrome (PMID: 16571647, 17701892). Other missense variants affecting this cysteine residue have been observed in individuals with Marfan syndrome (PMID: 19293843, 26787436).

Ambry Genetics
Classification: Likely pathogenic for Familial thoracic aortic aneurysm and aortic dissection. Last evaluated: 2018-04-12. Review status: criteria provided, single submitter. Criteria: Ambry Variant Classification Scheme 2023. Collection method: clinical testing. Allele origin: germline.
Comment: The p.C2509G variant (also known as c.7525T>G), located in coding exon 60 of the FBN1 gene, results from a T to G substitution at nucleotide position 7525. The cysteine at codon 2509 is replaced by glycine, an amino acid with highly dissimilar properties. The majority of FBN1 mutations identified to date have involved the substitution or generation of cysteine residues within cbEGF domains (Vollbrandt T et al. J Biol Chem. 2004;279(31):32924-32931). Based on internal structural assessment, this alteration eliminates a structurally critical disulfide in the structurally sensitive cbEGF domain #39. In addition, alterations affecting the same cysteine, p.C2509W and p.C2509Y, have been reported in individuals with Marfan syndrome (Franken R et al. Eur. Heart J., 2016 Nov;37:3285-3290; Stheneur C et al. Eur. J. Hum. Genet., 2009 Sep;17:1121-8). This amino acid position is highly conserved in available vertebrate species. In addition, this alteration is predicted to be deleterious by in silico analysis. Based on the majority of available evidence to date, this variant is likely to be pathogenic.

Literature cited by the submitters: PubMed 10486319 (cited by Labcorp Genetics (formerly Invitae), Labcorp); PubMed 3495735 (cited by Labcorp Genetics (formerly Invitae), Labcorp); PubMed 4750422 (cited by Labcorp Genetics (formerly Invitae), Labcorp); PubMed 16677079 (cited by Labcorp Genetics (formerly Invitae), Labcorp); PubMed 16571647 (cited by Labcorp Genetics (formerly Invitae), Labcorp); PubMed 17701892 (cited by Labcorp Genetics (formerly Invitae), Labcorp); PubMed 19293843 (cited by Labcorp Genetics (formerly Invitae), Labcorp and Ambry Genetics); PubMed 26787436 (cited by Labcorp Genetics (formerly Invitae), Labcorp and Ambry Genetics).

NM_000138.5(FBN1):c.7525T>G (p.Cys2509Gly)

Gene: FBN1 (fibrillin 1; minus strand). Cytogenetic location: 15q21.1.
Variant type: single nucleotide variant.
Coding change: c.7525T>G on transcript NM_000138.5 (MANE Select); coding-DNA position 7525, T replaced by G.
Protein change: p.Cys2509Gly; replaces cysteine 2509 with glycine.
Molecular consequence: missense variant.
Genome position (GRCh38, 1-based): chr15:48,421,997, A>C on the plus strand (T>G on the coding strand, the complement: FBN1 is on the minus strand). VCF-style: chr15-48421997-A-C. GRCh37 (hg19) VCF-style: chr15-48714194-A-C.
Other names: short protein forms C2509G.
Identifiers: ClinVar variation 406317 (VCV000406317.13), dbSNP rs1060501055, ClinGen allele CA16614786.